The following is an entry in ClinVar:

NM_017534.6(MYH2):c.814G>C (p.Glu272Gln)

Genes: MYHAS (myosin heavy chain gene cluster antisense RNA; plus strand), MYH2 (myosin heavy chain 2; minus strand), LOC126862501 (CDK7 strongly-dependent group 2 enhancer GRCh37_chr17:10446256-10447455; plus strand). Cytogenetic location: 17p13.1.
Variant type: single nucleotide variant.
Coding change: c.814G>C on transcript NM_017534.6 (MANE Select); coding-DNA position 814, G replaced by C.
Protein change: p.Glu272Gln; replaces glutamic acid 272 with glutamine.
Molecular consequence: missense variant.
Genome position (GRCh38, 1-based): chr17:10,542,965, C>G on the plus strand (G>C on the coding strand, the complement: MYH2 is on the minus strand). VCF-style: chr17-10542965-C-G. GRCh37 (hg19) VCF-style: chr17-10446282-C-G.
Other names: c.814G>C, p.Glu272Gln (NM_001100112.2); short protein forms E272Q.
Identifiers: ClinVar variation 852470 (VCV000852470.7), dbSNP rs2073575845, ClinGen allele CA398166936.

ClinVar aggregate classification (germline): Uncertain significance (1 of 4 stars; one submission).

Conditions:
Myopathy, proximal, and ophthalmoplegia (CMYO6). Also called: MYOPATHY WITH CONGENITAL JOINT CONTRACTURES, OPHTHALMOPLEGIA, AND RIMMED VACUOLES; CONGENITAL MYOPATHY 6 WITH OPHTHALMOPLEGIA; INCLUSION BODY MYOPATHY 3, AUTOSOMAL DOMINANT. Identifiers: Orphanet 363677, Orphanet 79091, MedGen C1854106, MONDO:0011577, OMIM 605637.

Allele frequency attached by ClinVar (database versions not stated): gnomAD 0.00001.
gnomAD v4.1: 1 of 1,611,194 alleles (0.000062%); highest among the groups gnomAD compares: Non-Finnish European, 0.000085%; no homozygotes.

Submission:

Labcorp Genetics (formerly Invitae), Labcorp
Classification: Uncertain significance for Myopathy, proximal, and ophthalmoplegia. Last evaluated: 2020-02-06. Review status: criteria provided, single submitter. Criteria: Invitae Variant Classification Sherloc (09022015). Collection method: clinical testing. Allele origin: germline.
Comment: In summary, the available evidence is currently insufficient to determine the role of this variant in disease. Therefore, it has been classified as a Variant of Uncertain Significance. Algorithms developed to predict the effect of missense changes on protein structure and function (SIFT, PolyPhen-2, Align-GVGD) all suggest that this variant is likely to be disruptive, but these predictions have not been confirmed by published functional studies and their clinical significance is uncertain. This variant has not been reported in the literature in individuals with MYH2-related conditions. This variant is not present in population databases (ExAC no frequency). This sequence change replaces glutamic acid with glutamine at codon 272 of the MYH2 protein (p.Glu272Gln). The glutamic acid residue is highly conserved and there is a small physicochemical difference between glutamic acid and glutamine.